The following is an entry in ClinVar:

NM_001567.4(INPPL1):c.3459G>C (p.Gln1153His)

Gene: INPPL1 (inositol polyphosphate phosphatase like 1; plus strand). Cytogenetic location: 11q13.4.
Variant type: single nucleotide variant.
Coding change: c.3459G>C on transcript NM_001567.4 (MANE Select); coding-DNA position 3459, G replaced by C.
Protein change: p.Gln1153His; replaces glutamine 1153 with histidine.
Molecular consequence: missense variant.
Genome position (GRCh38, 1-based): chr11:72,237,703, G>C. VCF-style: chr11-72237703-G-C. GRCh37 (hg19) VCF-style: chr11-71948747-G-C.
Other names: c.3459G>C (NM_001567.3); short protein forms Q1153H.
Identifiers: ClinVar variation 1354543 (VCV001354543.6), dbSNP rs1949031834, ClinGen allele CA381739257.
Genomic context (GRCh38, chr11:72,237,703, plus strand): 5'-GGACTATGCCCCTGCTGGGCCTGCACGCTCAGCGCTCCTCCCAGGCCCCCTGGAGCTGCA[G>C]CCCCCCCGGGGACTGCCCTCGGACTATGGCCGGCCCCTCAGCTTCCCTCCACCCCGCATC-3'
Protein context (NP_001558.3, residues 1143-1163): SALLPGPLEL[Gln1153His]PPRGLPSDYG

ClinVar aggregate classification (germline): Uncertain significance. Review status: criteria provided, multiple submitters, no conflicts (2 of 4 stars). 2 submissions from 2 submitters: Uncertain significance (2). Last evaluated 2021-09-24.

Conditions:
Inborn genetic diseases. Identifiers: MedGen C0950123, MeSH D030342.

Allele frequency attached by ClinVar (database versions not stated): TOPMed 0.00001.

Submissions (2):

Labcorp Genetics (formerly Invitae), Labcorp
Classification: Uncertain significance. Last evaluated: 2021-09-24. Review status: criteria provided, single submitter. Criteria: Invitae Variant Classification Sherloc (09022015). Collection method: clinical testing. Allele origin: germline.
Comment: This sequence change replaces glutamine with histidine at codon 1153 of the INPPL1 protein (p.Gln1153His). The glutamine residue is moderately conserved and there is a small physicochemical difference between glutamine and histidine. This variant is not present in population databases (ExAC no frequency). This variant has not been reported in the literature in individuals with INPPL1-related conditions. Algorithms developed to predict the effect of missense changes on protein structure and function are either unavailable or do not agree on the potential impact of this missense change (SIFT: "Deleterious"; PolyPhen-2: "Benign"; Align-GVGD: "Class C0"). In summary, the available evidence is currently insufficient to determine the role of this variant in disease. Therefore, it has been classified as a Variant of Uncertain Significance.

Ambry Genetics
Classification: Uncertain significance for Inborn genetic diseases. Last evaluated: 2021-08-13. Review status: criteria provided, single submitter. Criteria: Ambry Variant Classification Scheme 2023. Collection method: clinical testing. Allele origin: germline.